The following is an entry in ClinVar:

ClinVar aggregate classification (germline): Uncertain significance (1 of 4 stars; one submission).

Allele frequency attached by ClinVar (database versions not stated): gnomAD exomes 0.00001; gnomAD 0.00002; TOPMed 0.00002; ExAC 0.00005; 1000 Genomes Project 30x 0.00047; 1000 Genomes Project 0.00060.
gnomAD v4.1: 20 of 1,614,068 alleles (0.0012%); highest among the groups gnomAD compares: Admixed American, 0.0033%; no homozygotes.

Submission:

Labcorp Genetics (formerly Invitae), Labcorp
Classification: Uncertain significance. Last evaluated: 2022-07-20. Review status: criteria provided, single submitter. Criteria: Invitae Variant Classification Sherloc (09022015). Collection method: clinical testing. Allele origin: germline.
Comment: This sequence change replaces tyrosine, which is neutral and polar, with phenylalanine, which is neutral and non-polar, at codon 327 of the C8A protein (p.Tyr327Phe). This variant is present in population databases (rs542666529, gnomAD 0.005%). This variant has not been reported in the literature in individuals affected with C8A-related conditions. Algorithms developed to predict the effect of missense changes on protein structure and function are either unavailable or do not agree on the potential impact of this missense change (SIFT: "Tolerated"; PolyPhen-2: "Possibly Damaging"; Align-GVGD: "Class C0"). In summary, the available evidence is currently insufficient to determine the role of this variant in disease. Therefore, it has been classified as a Variant of Uncertain Significance.

NM_000562.3(C8A):c.980A>T (p.Tyr327Phe)

Gene: C8A (complement C8 alpha chain; plus strand). Cytogenetic location: 1p32.2.
Variant type: single nucleotide variant.
Coding change: c.980A>T on transcript NM_000562.3 (MANE Select); coding-DNA position 980, A replaced by T.
Protein change: p.Tyr327Phe; replaces tyrosine 327 with phenylalanine.
Molecular consequence: missense variant.
Genome position (GRCh38, 1-based): chr1:56,886,051, A>T. VCF-style: chr1-56886051-A-T. GRCh37 (hg19) VCF-style: chr1-57351724-A-T.
Other names: short protein forms Y327F.
Identifiers: ClinVar variation 2196473 (VCV002196473.1), dbSNP rs542666529, ClinGen allele CA875212.